The following is an entry in ClinVar:

ClinVar aggregate classification (germline): Uncertain significance (1 of 4 stars; one submission).

Conditions:
PRPH2-related disorder. Also called: PRPH2-related condition; PRPH2-related disorders. Identifiers: MedGen CN239395.

Submission:

Labcorp Genetics (formerly Invitae), Labcorp
Classification: Uncertain significance for PRPH2-related disorder. Last evaluated: 2020-06-27. Review status: criteria provided, single submitter. Criteria: Invitae Variant Classification Sherloc (09022015). Collection method: clinical testing. Allele origin: germline.
Comment: This sequence change replaces cysteine with tryptophan at codon 166 of the PRPH2 protein (p.Cys166Trp). The cysteine residue is highly conserved and there is a large physicochemical difference between cysteine and tryptophan. This variant is not present in population databases (ExAC no frequency). This variant has not been reported in the literature in individuals with PRPH2-related conditions. Algorithms developed to predict the effect of missense changes on protein structure and function (SIFT, PolyPhen-2, Align-GVGD) all suggest that this variant is likely to be disruptive, but these predictions have not been confirmed by published functional studies and their clinical significance is uncertain. This variant disrupts the p.Cys166 amino acid residue in PRPH2. Other variant(s) that disrupt this residue have been observed in individuals with PRPH2-related conditions (PMID: 26061163), which suggests that this may be a clinically significant amino acid residue. In summary, the available evidence is currently insufficient to determine the role of this variant in disease. Therefore, it has been classified as a Variant of Uncertain Significance.

Literature cited by the submitters: PubMed 26061163.

NM_000322.5(PRPH2):c.498C>G (p.Cys166Trp)

Gene: PRPH2 (peripherin 2; minus strand). Cytogenetic location: 6p21.1.
Variant type: single nucleotide variant.
Coding change: c.498C>G on transcript NM_000322.5 (MANE Select); coding-DNA position 498, C replaced by G.
Protein change: p.Cys166Trp; replaces cysteine 166 with tryptophan.
Molecular consequence: missense variant.
Genome position (GRCh38, 1-based): chr6:42,721,837, G>C on the plus strand (C>G on the coding strand, the complement: PRPH2 is on the minus strand). VCF-style: chr6-42721837-G-C. GRCh37 (hg19) VCF-style: chr6-42689575-G-C.
Other names: short protein forms C166W.
Identifiers: ClinVar variation 1002375 (VCV001002375.8), dbSNP rs759752477, ClinGen allele CA364137421.
Genomic context (GRCh38, chr6:42,721,837, plus strand): 5'-GTCCAGGTAGCGATTGCTGATCCACTGAATCTCAAACCAGTCCCGAAAACCGTTGTTGCC[G>C]CAGCATTTGAACTCGATCTGCAGCATGTCGATGGTCTTCTTCATGAAACACCTGCCAGGG-3'
Protein context (NP_000313.2, residues 156-176): IDMLQIEFKC[Cys166Trp]GNNGFRDWFE